The following is an entry in ClinVar:

NM_017636.4(TRPM4):c.3482A>T (p.Gln1161Leu)

Gene: TRPM4 (transient receptor potential cation channel subfamily M member 4; plus strand). Cytogenetic location: 19q13.33.
Variant type: single nucleotide variant.
Coding change: c.3482A>T on transcript NM_017636.4 (MANE Select); coding-DNA position 3482, A replaced by T.
Protein change: p.Gln1161Leu; replaces glutamine 1161 with leucine.
Molecular consequence: missense variant.
Genome position (GRCh38, 1-based): chr19:49,211,035, A>T. VCF-style: chr19-49211035-A-T. GRCh37 (hg19) VCF-style: chr19-49714292-A-T.
Other names: c.1874A>T, p.Gln625Leu (NM_001321282.2); c.2960A>T, p.Gln987Leu (NM_001321283.2); c.2420A>T, p.Gln807Leu (NM_001321285.2); c.3047A>T, p.Gln1016Leu (NM_001195227.2); c.3137A>T, p.Gln1046Leu (NM_001321281.2); short protein forms Q1046L, Q807L, Q1016L, Q625L, Q1161L, Q987L.
Identifiers: ClinVar variation 3717228 (VCV003717228.2).

ClinVar aggregate classification (germline): Uncertain significance (1 of 4 stars; one submission).

Conditions:
Progressive familial heart block type IB (PFHB1B). Identifiers: Orphanet 871, MedGen C1970298, MONDO:0011474, OMIM 604559.

Submission:

Labcorp Genetics (formerly Invitae), Labcorp
Classification: Uncertain significance for Progressive familial heart block type IB. Last evaluated: 2024-09-21. Review status: criteria provided, single submitter. Criteria: Invitae Variant Classification Sherloc (09022015). Collection method: clinical testing. Allele origin: germline.
Comment: This sequence change replaces glutamine, which is neutral and polar, with leucine, which is neutral and non-polar, at codon 1161 of the TRPM4 protein (p.Gln1161Leu). This variant is not present in population databases (gnomAD no frequency). This variant has not been reported in the literature in individuals affected with TRPM4-related conditions. An algorithm developed to predict the effect of missense changes on protein structure and function (PolyPhen-2) suggests that this variant is likely to be tolerated. In summary, the available evidence is currently insufficient to determine the role of this variant in disease. Therefore, it has been classified as a Variant of Uncertain Significance.